The following is an entry in ClinVar:

NM_000051.4(ATM):c.6975G>C (p.Ala2325=)

Genes: ATM (ATM serine/threonine kinase; plus strand), C11orf65 (chromosome 11 open reading frame 65; minus strand). Cytogenetic location: 11q22.3.
Variant type: single nucleotide variant.
Coding change: c.6975G>C on transcript NM_000051.4 (MANE Select); coding-DNA position 6975, G replaced by C.
Protein change: p.Ala2325=; no amino-acid change (alanine 2325 retained).
Molecular consequence: synonymous variant. On other transcripts: intron variant (2).
Genome position (GRCh38, 1-based): chr11:108,326,225, G>C. VCF-style: chr11-108326225-G-C. GRCh37 (hg19) VCF-style: chr11-108196952-G-C.
Other names: c.6975G>C, p.Ala2325= (NM_001351834.2); c.641-17154C>G (NM_001330368.2); c.*38+8995C>G (NM_001351110.2).
Identifiers: ClinVar variation 233023 (VCV000233023.37), dbSNP rs556778314, ClinGen allele CA10579244.
Genomic context (GRCh38, chr11:108,326,225, plus strand): 5'-GAGTCTTGCCCTGAGTATTCTCAAGCAAATGATCAAGAAGTTGGATGCCAGCTGTGCAGC[G>C]GTTTGTTTTTTTTATTGGCTGGATTAGTGTTTTACTGTTATTTAAAAAAACACAAATGTA-3'
Protein context (NP_000042.3, residues 2315-2335): MIKKLDASCA[Ala2325=]NNPSLKLTYT

ClinVar aggregate classification (germline): Uncertain significance. Review status: criteria provided, multiple submitters, no conflicts (2 of 4 stars). 15 submissions from 15 submitters: Uncertain significance (12). 3 of the submissions do not count toward it. Last evaluated 2026-01-06.

Conditions:
ATM-related disorder. Also called: ATM-related disorders; ATM-related condition.
Hereditary cancer-predisposing syndrome. Also called: Neoplastic Syndromes, Hereditary; Hereditary neoplastic syndrome; Tumor predisposition; Hereditary Cancer Syndrome. Identifiers: Orphanet 140162, MedGen C0027672, MeSH D009386, MONDO:0015356.
Familial cancer of breast. Also called: hereditary breast carcinoma; Hereditary breast cancer; BREAST CANCER, FAMILIAL. Identifiers: Orphanet 227535, MedGen C0346153, MONDO:0016419, OMIM 114480. Disease mechanism: loss of function.
Ataxia-telangiectasia syndrome (AT). Also called: Ataxia telangiectasia (A-T); Cerebello-oculocutaneous telangiectasia; Immunodeficiency with ataxia telangiectasia; LOUIS-BAR SYNDROME; AT, COMPLEMENTATION GROUP C; ATAXIA-TELANGIECTASIA, FRESNO VARIANT. Identifiers: Orphanet 100, MedGen C0004135, MONDO:0008840, OMIM 208900.
Malignant tumor of breast. Also called: Malignant breast neoplasm; Cancer breast. Identifiers: MedGen C0006142, MONDO:0007254. Disease mechanism: loss of function.

Allele frequency attached by ClinVar (database versions not stated): TOPMed 0.00002.
gnomAD v4.1: 51 of 1,613,584 alleles (0.0032%); highest among the groups gnomAD compares: Non-Finnish European, 0.0036%; no homozygotes.

Submissions 1 to 9 of 15:

Myriad Genetics, Inc.
Classification: Uncertain significance for Familial cancer of breast. Last evaluated: 2026-01-06. Review status: criteria provided, single submitter. Criteria: Myriad Autosomal Dominant, Autosomal Recessive and X-Linked Classification Criteria (2023). Collection method: clinical testing. Allele origin: unknown.
Comment: This variant is classified as a variant of uncertain significance as there is insufficient evidence to determine its impact on protein function and/or cancer risk.

PreventionGenetics, part of Exact Sciences
Classification: Uncertain significance for ATM-related condition. Last evaluated: 2026-01-06. Review status: criteria provided, single submitter. Criteria: ACMG Guidelines, 2015. Collection method: clinical testing. Allele origin: germline.
Comment: The ATM c.6975G>C variant is not predicted to result in an amino acid change (p.=). This variant is predicted to alter splicing based on available splicing prediction programs (SpliceAI, Jaganathan et al. 2019. PubMed ID: 30661751). This variant has been reported in an individual with breast cancer (Lerner-Ellis et al. 2020. PubMed ID: 32885271). This variant is reported in 0.00088% of alleles in individuals of European (non-Finnish) descent in gnomAD. This variant has conflicting interpretations regarding its pathogenicity in ClinVar, ranging from likely pathogenic to variant of uncertain significance (variation ID: 233023). At this time, the clinical significance of this variant is uncertain due to the absence of conclusive functional and genetic evidence.

Labcorp Genetics (formerly Invitae), Labcorp
Classification: Uncertain significance for Ataxia-telangiectasia syndrome. Last evaluated: 2025-12-29. Review status: criteria provided, single submitter. Criteria: Invitae Variant Classification Sherloc (09022015). Collection method: clinical testing. Allele origin: germline.
Comment: This sequence change affects codon 2325 of the ATM mRNA. It is a 'silent' change, meaning that it does not change the encoded amino acid sequence of the ATM protein. This variant also falls at the last nucleotide of exon 47, which is part of the consensus splice site for this exon. This variant is present in population databases (no rsID available, gnomAD 0.0009%). This variant has been observed in individual(s) with breast cancer (PMID: 32885271). ClinVar contains an entry for this variant (Variation ID: 233023). Variants that disrupt the consensus splice site are a relatively common cause of aberrant splicing (PMID: 17576681, 9536098). Studies have shown that this variant is associated with inconclusive levels of altered splicing (internal data). In summary, the available evidence is currently insufficient to determine the role of this variant in disease. Therefore, it has been classified as a Variant of Uncertain Significance.

Ambry Genetics
Classification: Uncertain significance for Hereditary cancer-predisposing syndrome. Last evaluated: 2025-07-17. Review status: criteria provided, single submitter. Criteria: Ambry Variant Classification Scheme 2023. Collection method: clinical testing. Allele origin: germline.
Comment: The c.6975G>C variant (also known as p.A2325A) is located in coding exon 46 of the ATM gene. This variant results from a G to C substitution at nucleotide position 6975. This nucleotide substitution does not change the alanine at codon 2325. However, this change occurs in the last base pair of coding exon 46, which makes it likely to have some effect on normal mRNA splicing. This alteration has been reported in 0/13087 breast cancer cases and 1/5488 control individuals in the UK (Decker B et al. J Med Genet. 2017 11;54:732-741). This variant was also observed in 1/3251 individuals who met eligibility criteria for hereditary breast and ovarian cancer syndrome (Lerner-Ellis J et al. J Cancer Res Clin Oncol, 2021 Mar;147:871-879). This nucleotide position is well conserved in available vertebrate species. In silico splice site analysis predicts that this alteration will weaken the native splice donor site; however direct evidence is insufficient at this time (Ambry internal data). Based on the available evidence, the clinical significance of this variant remains unclear.

KCCC/NGS Laboratory, Kuwait Cancer Control Center
Classification: Uncertain significance for Familial cancer of breast. Last evaluated: 2025-07-02. Review status: criteria provided, single submitter. Criteria: ACMG Guidelines, 2015. Collection method: clinical testing. Allele origin: germline. Inheritance: Autosomal dominant inheritance. Affected: yes.
Comment: the available evidence is currently insufficient to determine the role of this variant in disease. Therefore, it has been classified as a Variant of Uncertain Significance.

GeneDx
Classification: Uncertain significance. Last evaluated: 2024-12-21. Review status: criteria provided, single submitter. Criteria: GeneDx Variant Classification Process June 2021. Collection method: clinical testing. Allele origin: germline. Affected: yes.
Comment: Alters the last nucleotide of the exon and is predicted to destroy the splice donor site but the effect on protein function is unclear; Observed in individuals with breast and gastro-esophageal junction cancer, as well as in an unaffected control individual in published literature (PMID: 35402282, 28779002, 32885271); Not observed at significant frequency in large population cohorts (gnomAD); This variant is associated with the following publications: (PMID: 25186949, 28779002, 23532176, 32885271, 35402282)

Color Diagnostics, LLC DBA Color Health
Classification: Uncertain significance for Hereditary cancer-predisposing syndrome. Last evaluated: 2024-06-07. Review status: criteria provided, single submitter. Criteria: ACMG Guidelines, 2015. Collection method: clinical testing. Allele origin: germline.
Comment: This synonymous variant does not change the amino acid sequence of the ATM protein. However, this variant changes the conserved c.G at the last nucleotide position of exon 47 and is predicted to have deleterious impact on splicing. This variant has been reported to impact RNA splicing by an external laboratory, however, detailed data are not available for review (ClinVar Accession: SCV004932124.1). This variant has been reported in an individual affected with breast cancer (PMID: 35402282) and an individual meeting criteria for hereditary breast and ovarian cancer syndrome (PMID: 32885271). This variant has been identified in 1/251310 chromosomes in the general population by the Genome Aggregation Database (gnomAD). The available evidence is insufficient to determine the role of this variant in disease conclusively. Therefore, this variant is classified as a Variant of Uncertain Significance.

Women's Health and Genetics/Laboratory Corporation of America, LabCorp
Classification: Uncertain significance. Last evaluated: 2023-05-08. Review status: criteria provided, single submitter. Criteria: LabCorp Variant Classification Summary - May 2015. Collection method: clinical testing. Allele origin: germline.
Comment: Variant summary: ATM c.6975G>C (p.Ala2325Ala) alters a conserved nucleotide located close to a canonical splice site and therefore could affect mRNA splicing, leading to a significantly altered protein sequence. Computational tools predict the variant may have an impact on normal splicing. However, these predictions have yet to be confirmed by functional studies. The variant allele was found at a frequency of 4e-06 in 251310 control chromosomes (gnomAD). The available data on variant occurrences in the general population are insufficient to allow any conclusion about variant significance. c.6975G>C has been reported in the literature in an individual referred for cancer testing, based on clinical indication of hereditary breast and ovarian cancer (Lerner-Ellis_2021). These report(s) do not provide unequivocal conclusions about association of the variant with Ataxia-Telangiectasia or Cancer. To our knowledge, no experimental evidence demonstrating an impact on protein function has been reported. Ten clinical diagnostic laboratories have submitted clinical-significance assessments for this variant to ClinVar after 2014 and classified it as uncertain significance. Based on the evidence outlined above, the variant was classified as uncertain significance.

Athena Diagnostics
Classification: Uncertain significance. Last evaluated: 2022-02-18. Review status: criteria provided, single submitter. Criteria: Athena Diagnostics Criteria. Collection method: clinical testing. Allele origin: unknown.